The following is an entry in ClinVar:

NM_001322934.2(NFKB2):c.208A>T (p.Ser70Cys)

Gene: NFKB2 (nuclear factor kappa B subunit 2; plus strand). Cytogenetic location: 10q24.32.
Variant type: single nucleotide variant.
Coding change: c.208A>T on transcript NM_001322934.2 (MANE Select); coding-DNA position 208, A replaced by T.
Protein change: p.Ser70Cys; replaces serine 70 with cysteine.
Molecular consequence: missense variant.
Genome position (GRCh38, 1-based): chr10:102,396,788, A>T. VCF-style: chr10-102396788-A-T. GRCh37 (hg19) VCF-style: chr10-104156545-A-T.
Other names: c.208A>T, p.Ser70Cys (NM_001077494.3, NM_001261403.3, NM_001288724.1 and 2 more transcripts); short protein forms S70C.
Identifiers: ClinVar variation 1049748 (VCV001049748.1), dbSNP rs2135429484, ClinGen allele CA377896159.
Genomic context (GRCh38, chr10:102,396,788, plus strand): 5'-GGCTTCCGATTTCGATATGGCTGTGAAGGCCCCTCCCATGGAGGACTGCCCGGTGCCTCC[A>T]GTGAGAAGGGCCGAAAGACCTATCCCACTGTCAAGGTGAGCCAGGATGGTGCTGGAGGGT-3'
Protein context (NP_001309863.1, residues 60-80): PSHGGLPGAS[Ser70Cys]EKGRKTYPTV

ClinVar aggregate classification (germline): Uncertain significance (0 of 4 stars; one submission).

Allele frequency attached by ClinVar (database versions not stated): gnomAD exomes below 0.00001.
gnomAD v4.1: 1 of 1,613,346 alleles (0.000062%); highest among the groups gnomAD compares: Non-Finnish European, 0.000085%; no homozygotes.

Submission:

Department of Pathology and Laboratory Medicine, Sinai Health System
Classification: Uncertain significance. Review status: no assertion criteria provided. Collection method: clinical testing. Allele origin: unknown. Affected: yes. Study: The Canadian Open Genetics Repository (COGR).
Comment: The NFKB2 p.Ser70Cys variant was not identified in the literature nor was it identified in dbSNP, ClinVar or in the following control databases: the 1000 Genomes Project, the NHLBI GO Exome Sequencing Project, or the Genome Aggregation Database (March 6, 2019, v2.1.1). The p.Ser70 residue is conserved in mammals but not in more distantly related organisms, and computational analyses (PolyPhen-2, SIFT, AlignGVGD, BLOSUM, MutationTaster) suggest that the variant may impact the protein; however, this information is not predictive enough to assume pathogenicity. The variant occurs outside of the splicing consensus sequence and 2 of 4 in silico or computational prediction software programs (SpliceSiteFinder, MaxEntScan, NNSPLICE, GeneSplicer) predict a greater than 10% difference in splicing; this is not very predictive of pathogenicity. In summary, based on the above information the clinical significance of this variant cannot be determined with certainty at this time. This variant is classified as a variant of uncertain significance.